The following is an entry in ClinVar:

NM_006206.6(PDGFRA):c.2887G>A (p.Glu963Lys)

Gene: PDGFRA (platelet derived growth factor receptor alpha; plus strand). Cytogenetic location: 4q12.
Variant type: single nucleotide variant.
Coding change: c.2887G>A on transcript NM_006206.6 (MANE Select); coding-DNA position 2887, G replaced by A.
Protein change: p.Glu963Lys; replaces glutamic acid 963 with lysine.
Molecular consequence: missense variant.
Genome position (GRCh38, 1-based): chr4:54,290,319, G>A. VCF-style: chr4-54290319-G-A. GRCh37 (hg19) VCF-style: chr4-55156486-G-A.
Other names: c.2887G>A (NM_006206.5); c.2962G>A, p.Glu988Lys (NM_001347828.2); c.2887G>A, p.Glu963Lys (NM_001347829.2); c.2926G>A, p.Glu976Lys (NM_001347830.2); short protein forms E963K, E976K, E988K.
Identifiers: ClinVar variation 655071 (VCV000655071.12), dbSNP rs756581500, ClinGen allele CA2922988.

ClinVar aggregate classification (germline): Conflicting classifications of pathogenicity. Review status: criteria provided, conflicting classifications (1 of 4 stars). 3 submissions from 3 submitters: Uncertain significance (2); Likely benign (1). Last evaluated 2026-01-16.

Conditions:
Gastrointestinal stromal tumor. Also called: Gastrointestinal stromal tumor, somatic; Gastrointestinal stroma tumor. Identifiers: Orphanet 44890, MedGen C0238198, MeSH D046152, MONDO:0011719, OMIM 606764, HP:0100723.
Hereditary cancer-predisposing syndrome. Also called: Neoplastic Syndromes, Hereditary; Tumor predisposition; Hereditary Cancer Syndrome; Hereditary neoplastic syndrome. Identifiers: Orphanet 140162, MedGen C0027672, MeSH D009386, MONDO:0015356.
PDGFRA-related disorder. Also called: PDGFRA-related condition.

Allele frequency attached by ClinVar (database versions not stated): gnomAD exomes below 0.00001 and 0.00001; ExAC 0.00001; gnomAD 0.00001; TOPMed 0.00001.
gnomAD v4.1: 5 of 1,610,964 alleles (0.00031%); highest among the groups gnomAD compares: African/African-American, 0.0053%; no homozygotes.

Submissions (3):

Labcorp Genetics (formerly Invitae), Labcorp
Classification: Uncertain significance for Gastrointestinal stromal tumor. Last evaluated: 2026-01-16. Review status: criteria provided, single submitter. Criteria: Invitae Variant Classification Sherloc (09022015). Collection method: clinical testing. Allele origin: germline.
Comment: This sequence change replaces glutamic acid, which is acidic and polar, with lysine, which is basic and polar, at codon 963 of the PDGFRA protein (p.Glu963Lys). This variant is present in population databases (rs756581500, gnomAD 0.01%). This variant has not been reported in the literature in individuals affected with PDGFRA-related conditions. ClinVar contains an entry for this variant (Variation ID: 655071). Invitae Evidence Modeling of protein sequence and biophysical properties (such as structural, functional, and spatial information, amino acid conservation, physicochemical variation, residue mobility, and thermodynamic stability) indicates that this missense variant is not expected to disrupt PDGFRA protein function with a negative predictive value of 80%. In summary, the available evidence is currently insufficient to determine the role of this variant in disease. Therefore, it has been classified as a Variant of Uncertain Significance.

PreventionGenetics, part of Exact Sciences
Classification: Uncertain significance for PDGFRA-related condition. Last evaluated: 2023-06-22. Review status: criteria provided, single submitter. Criteria: ACMG Guidelines, 2015. Collection method: clinical testing. Allele origin: germline.
Comment: The PDGFRA c.2887G>A variant is predicted to result in the amino acid substitution p.Glu963Lys. To our knowledge, this variant has not been reported in the literature. This variant is reported in 0.012% of alleles in individuals of African descent in gnomAD. This variant has conflicting classifications in ClinVar of uncertain significance and likely benign. At this time, the clinical significance of this variant is uncertain due to the absence of conclusive functional and genetic evidence.

Ambry Genetics
Classification: Likely benign for Hereditary cancer-predisposing syndrome. Last evaluated: 2023-01-12. Review status: criteria provided, single submitter. Criteria: Ambry Variant Classification Scheme 2023. Collection method: clinical testing. Allele origin: germline.